The following is an entry in ClinVar:

ClinVar aggregate classification (germline): Likely pathogenic (1 of 4 stars; one submission).

Conditions:
Nephronophthisis 20 (NPHP20). Identifiers: MedGen C4310640, MONDO:0014997, OMIM 617271.

Submission:

Medical Genetics, University of Parma
Classification: Likely pathogenic for Nephronophthisis 20. Last evaluated: 2026-06-16. Review status: criteria provided, single submitter. Criteria: ACMG Guidelines, 2015. Collection method: clinical testing. Allele origin: biparental. Inheritance: Autosomal recessive inheritance. Affected: yes. Observed: 1 variant allele, 1 homozygote.
Comment: The variant is extremely rare (absent in GnomAD) and has not been reported elsewhere at the time of submission. SpliceAI score of 0.99 clearly indicated a splice-altering effect, leading to a probable loss of function. Considering these elements, we reported the c.270-2A>G as a Likely Pathogenic variant.

NM_014994.3(MAPKBP1):c.270-2A>G

Gene: MAPKBP1 (mitogen-activated protein kinase binding protein 1; plus strand). Cytogenetic location: 15q15.1.
Variant type: single nucleotide variant.
Coding change: c.270-2A>G on transcript NM_014994.3 (MANE Select); the canonical splice acceptor site of the intron before coding-DNA position 270, A replaced by G.
Molecular consequence: splice acceptor variant.
Genome position (GRCh38, 1-based): chr15:41,811,176, A>G. VCF-style: chr15-41811176-A-G. GRCh37 (hg19) VCF-style: chr15-42103374-A-G.
Other names: c.270-2A>G (NM_001128608.2, NM_001265611.2).
Identifiers: ClinVar variation 4856641 (VCV004856641.1).